The following is an entry in ClinVar:

ClinVar aggregate classification (germline): Pathogenic. Review status: criteria provided, multiple submitters, no conflicts (2 of 4 stars). 6 submissions from 6 submitters: Pathogenic (5). 1 of the submissions does not count toward it. Last evaluated 2026-04-12.

Conditions:
Mitochondrial complex III deficiency nuclear type 2. Identifiers: MedGen C3554605, MONDO:0014063, OMIM 615157.

Submissions (6):

Dasa
Classification: Pathogenic. Last evaluated: 2026-04-12. Review status: criteria provided, single submitter. Criteria: DASA Assertion Criteria. Collection method: clinical testing. Allele origin: germline.
Comment: NM_017775.4(TTC19):c.601_604del (p.Gly201Metfs*8) is a frameshift variant in TTC19 predicted to alter the reading frame and introduce a premature termination codon and is predicted to result in an absent or altered protein product. Loss of function is an established disease mechanism for TTC19-associated disorders. Segregation data support an association with disease in the reported family/families (PMID: 23532514). This variant has been reported in individuals with TTC19-related disorders (PMID: 23532514). Also, this variant is absent from population databases. Based on the currently available evidence, this variant is classified as pathogenic.

Labcorp Genetics (formerly Invitae), Labcorp
Classification: Pathogenic. Last evaluated: 2025-12-30. Review status: criteria provided, single submitter. Criteria: Invitae Variant Classification Sherloc (09022015). Collection method: clinical testing. Allele origin: germline.
Comment: This sequence change creates a premature translational stop signal (p.Gly201Metfs*8) in the TTC19 gene. It is expected to result in an absent or disrupted protein product. Loss-of-function variants in TTC19 are known to be pathogenic (PMID: 21278747, 24368687). This variant is present in population databases (rs794726691, gnomAD 0.0009%). This premature translational stop signal has been observed in individual(s) with mitochondrial complex III deficiency. (PMID: 23532514, 24368687). This variant is also known as p.Gly322MetfsX8 or p.A321Afs*8. ClinVar contains an entry for this variant (Variation ID: 102437). For these reasons, this variant has been classified as Pathogenic.

Laboratorio de Genetica e Diagnostico Molecular, Hospital Israelita Albert Einstein
Classification: Pathogenic for Mitochondrial complex III deficiency nuclear type 2. Last evaluated: 2025-12-19. Review status: criteria provided, single submitter. Criteria: ACMG Guidelines, 2015. Collection method: clinical testing. Allele origin: germline. Affected: yes.
Comment: ACMG classification criteria: PVS1 very strong, PM2 supporting, PM3 supporting

GeneDx
Classification: Pathogenic. Last evaluated: 2025-11-29. Review status: criteria provided, single submitter. Criteria: GeneDx Variant Classification Process June 2021. Collection method: clinical testing. Allele origin: germline. Affected: yes.
Comment: Frameshift variant predicted to result in protein truncation or nonsense mediated decay in a gene for which loss of function is a known mechanism of disease; Not observed at significant frequency in large population cohorts (gnomAD); Also known as p.(A321Afs*8) and p.(G322Mfs*8); This variant is associated with the following publications: (PMID: 23532514, 28128857, 25899669, 24368687)

Mayo Clinic Laboratories, Mayo Clinic
Classification: Pathogenic. Last evaluated: 2023-08-02. Review status: criteria provided, single submitter. Criteria: ACMG Guidelines, 2015. Collection method: clinical testing. Allele origin: germline. Observed: 1 variant allele.
Comment: PP1_strong, PM2_moderate, PM3, PS3, PVS1

OMIM
Classification: Pathogenic for MITOCHONDRIAL COMPLEX III DEFICIENCY, NUCLEAR TYPE 2. Last evaluated: 2013-05-01. Review status: no assertion criteria provided. Collection method: literature only. Allele origin: germline. Not counted in ClinVar's aggregate classification.

Literature cited by the submitters: PubMed 23532514 (cited by 4 submitters); PubMed 28128857 (cited by Dasa and Mayo Clinic Laboratories, Mayo Clinic); PubMed 21278747 (cited by Labcorp Genetics (formerly Invitae), Labcorp); PubMed 24368687 (cited by Labcorp Genetics (formerly Invitae), Labcorp and Mayo Clinic Laboratories, Mayo Clinic); PubMed 25899669 (cited by Mayo Clinic Laboratories, Mayo Clinic).

NM_017775.4(TTC19):c.601_604del (p.Gly201fs)

Gene: TTC19 (tetratricopeptide repeat domain 19; plus strand). Cytogenetic location: 17p12.
Variant type: Deletion.
Coding change: c.601_604del on transcript NM_017775.4 (MANE Select); coding-DNA positions 601 to 604, 4 bases deleted (GGCT; older notation c.601_604delGGCT).
Protein change: p.Gly201fs; shifts the reading frame from glycine 201.
Molecular consequence: frameshift variant.
Genome position (GRCh38, 1-based): chr17:16,006,493-16,006,496, GGCT deleted; deleting any 4 consecutive bases within chr17:16,006,490-16,006,496 gives the same sequence; the c. name uses the placement nearest the transcript's 3' end. VCF-style (leftmost placement, unchanged base first): chr17-16006489-TGCTG-T. GRCh37 (hg19) VCF-style: chr17-15909803-TGCTG-T.
Other names: p.Gly201Metfs*8; c.280_283del, p.Gly94fs (NM_001271420.2); c.601_604del (NM_017775.3); short protein forms G201fs, G94fs.
Identifiers: ClinVar variation 102437 (VCV000102437.9), dbSNP rs794726691, ClinGen allele CA150754.